The following is an entry in ClinVar:

ClinVar aggregate classification (germline): Likely benign (1 of 4 stars; one submission).

Conditions:
Neurodevelopmental disorder. Identifiers: MedGen C1535926, MeSH D065886, MONDO:0700092.

Submission:

Molecular Genetics, Royal Melbourne Hospital
Classification: Likely benign for Neurodevelopmental disorder. Last evaluated: 2023-06-15. Review status: criteria provided, single submitter. Criteria: ACMG Guidelines, 2015. Collection method: clinical testing. Allele origin: germline. Inheritance: Autosomal dominant inheritance. Affected: no.
Comment: This sequence change in SCAF4 is a frameshift variant that may cause a premature stop codon, p.(Asp1085Glyfs*18), that is predicted to escape nonsense-mediated decay and remove <10% of the protein in a gene where loss-of-function is an established disease mechanism (PMID: 32730804). This variant is observed in at least 3 healthy controls (gnomAD v2.1). Based on the classification scheme RMH Modified ACMG/AMP Guidelines v1.5.1, this variant is classified as LIKELY BENIGN. Following criteria are met: BS2, PVS1_Moderate

Literature cited by the submitters: PubMed 32730804.

NM_020706.2(SCAF4):c.3254_3257del (p.Asp1085fs)

Gene: SCAF4 (SR-related CTD associated factor 4; minus strand). Cytogenetic location: 21q22.11.
Variant type: Microsatellite.
Coding change: c.3254_3257del on transcript NM_020706.2 (MANE Select); coding-DNA positions 3254 to 3257, 4 bases deleted (ACAG; older notation c.3254_3257delACAG).
Protein change: p.Asp1085fs; shifts the reading frame from aspartic acid 1085.
Molecular consequence: frameshift variant.
Genome position (GRCh38, 1-based): chr21:31,671,586-31,671,589, CTGT deleted on the plus strand (ACAG on the coding strand, the reverse complement: SCAF4 is on the minus strand); deleting any 4 consecutive bases within chr21:31,671,586-31,671,594 gives the same sequence; the c. name uses the placement nearest the transcript's 3' end. VCF-style (leftmost placement, unchanged base first): chr21-31671585-CCTGT-C. GRCh37 (hg19) VCF-style: chr21-33043898-CCTGT-C.
Other names: c.3209_3212del, p.Asp1070fs (NM_001145444.1); c.3188_3191del, p.Asp1063fs (NM_001145445.1); c.3254_3257delACAG (NM_020706.2); short protein forms D1063fs, D1070fs, D1085fs.
Identifiers: ClinVar variation 3068680 (VCV003068680.1), dbSNP rs750971849, ClinGen allele CA9999053.